The following is an entry in ClinVar:

NM_000463.3(UGT1A1):c.706G>C (p.Glu236Gln)

Genes: UGT1A (UDP glucuronosyltransferase family 1 member A complex locus; plus strand), UGT1A1 (UDP glucuronosyltransferase family 1 member A1; plus strand), UGT1A10 (UDP glucuronosyltransferase family 1 member A10; plus strand), UGT1A3 (UDP glucuronosyltransferase family 1 member A3; plus strand), UGT1A4 (UDP glucuronosyltransferase family 1 member A4; plus strand) and 5 more. Cytogenetic location: 2q37.1.
Variant type: single nucleotide variant.
Coding change: c.706G>C on transcript NM_000463.3 (MANE Select); coding-DNA position 706, G replaced by C.
Protein change: p.Glu236Gln; replaces glutamic acid 236 with glutamine.
Molecular consequence: missense variant. On other transcripts: intron variant (9).
Genome position (GRCh38, 1-based): chr2:233,760,993, G>C. VCF-style: chr2-233760993-G-C. GRCh37 (hg19) VCF-style: chr2-234669639-G-C.
Other names: c.856-6041G>C (NM_019076.5, NM_019075.4, NM_021027.3 and 1 more transcripts); c.61-6041G>C (NM_205862.3); c.862-6041G>C (NM_001072.4); c.868-6041G>C (NM_019078.2, NM_007120.3, NM_019093.4); short protein forms E236Q.
Identifiers: ClinVar variation 2438473 (VCV002438473.5), dbSNP rs367668492, ClinGen allele CA2179875.
Genomic context (GRCh38, chr2:233,760,993, plus strand): 5'-GCCTTTTCACAGAACTTTCTGTGCGACGTGGTTTATTCCCCGTATGCAACCCTTGCCTCA[G>C]AATTCCTTCAGAGAGAGGTGACTGTCCAGGACCTATTGAGCTCTGCATCTGTCTGGCTGT-3'
Protein context (NP_000454.1, residues 226-246): VYSPYATLAS[Glu236Gln]FLQREVTVQD

ClinVar aggregate classification (germline): Uncertain significance. Review status: criteria provided, multiple submitters, no conflicts (2 of 4 stars). 3 submissions from 3 submitters: Uncertain significance (3). Last evaluated 2024-10-17.

Conditions:
UGT1A1-related disorder. Also called: UGT1A1-related condition; UGT1A1-related disorders.

Allele frequency attached by ClinVar (database versions not stated): gnomAD 0.00003; TOPMed 0.00003; gnomAD exomes 0.00005; ESP Exome Variant Server 0.00008; ExAC 0.00013.
gnomAD v4.1: 73 of 1,614,036 alleles (0.0045%); highest among the groups gnomAD compares: South Asian, 0.02%; no homozygotes.

Submissions (3):

PreventionGenetics, part of Exact Sciences
Classification: Uncertain significance for UGT1A1-related condition. Last evaluated: 2024-10-17. Review status: criteria provided, single submitter. Criteria: ACMG Guidelines, 2015. Collection method: clinical testing. Allele origin: germline.
Comment: The UGT1A1 c.706G>C variant is predicted to result in the amino acid substitution p.Glu236Gln. To our knowledge, this variant has not been reported in the literature. This variant is reported in 0.026% of alleles in individuals of South Asian descent in gnomAD. At this time, the clinical significance of this variant is uncertain due to the absence of conclusive functional and genetic evidence.

ARUP Laboratories, Molecular Genetics and Genomics, ARUP Laboratories
Classification: Uncertain significance. Last evaluated: 2023-04-11. Review status: criteria provided, single submitter. Criteria: ARUP Molecular Germline Variant Investigation Process 2024. Collection method: clinical testing. Allele origin: germline.
Comment: The UGT1A1 c.706G>C; p.Glu236Gln variant (rs367668492), to our knowledge, is not reported in the medical literature but is reported in ClinVar (Variation ID: 2438473). This variant is observed in the general population with an overall allele frequency of 0.009% (25/282696 alleles) in the Genome Aggregation Database. Computational analyses are uncertain whether this variant is neutral or deleterious (REVEL: 0.293). Due to limited information, the clinical significance of this variant is uncertain at this time.

Revvity Omics, Revvity
Classification: Uncertain significance. Last evaluated: 2021-01-08. Review status: criteria provided, single submitter. Criteria: ACMG Guidelines, 2015. Collection method: clinical testing. Allele origin: germline.